The following is an entry in ClinVar:

NM_024537.4(CARS2):c.1049G>A (p.Arg350His)

Gene: CARS2 (cysteinyl-tRNA synthetase 2, mitochondrial; minus strand). Cytogenetic location: 13q34.
Variant type: single nucleotide variant.
Coding change: c.1049G>A on transcript NM_024537.4 (MANE Select); coding-DNA position 1049, G replaced by A.
Protein change: p.Arg350His; replaces arginine 350 with histidine.
Molecular consequence: missense variant. On other transcripts: non-coding transcript variant (2).
Genome position (GRCh38, 1-based): chr13:110,651,039, C>T on the plus strand (G>A on the coding strand, the complement: CARS2 is on the minus strand). VCF-style: chr13-110651039-C-T. GRCh37 (hg19) VCF-style: chr13-111303386-C-T.
Other names: c.263G>A, p.Arg88His (NM_001352252.2); short protein forms R350H, R88H.
Identifiers: ClinVar variation 946507 (VCV000946507.4), dbSNP rs1195058620, ClinGen allele CA388744984.

ClinVar aggregate classification (germline): Uncertain significance (1 of 4 stars; one submission).

Conditions:
Combined oxidative phosphorylation defect type 27. Also called: Combined oxidative phosphorylation deficiency 27. Identifiers: Orphanet 477774, MedGen C5567608, MONDO:0014728, OMIM 616672.

Allele frequency attached by ClinVar (database versions not stated): gnomAD exomes 0.00001; TOPMed 0.00001.

Submission:

Labcorp Genetics (formerly Invitae), Labcorp
Classification: Uncertain significance for Combined oxidative phosphorylation defect type 27. Last evaluated: 2022-06-04. Review status: criteria provided, single submitter. Criteria: Invitae Variant Classification Sherloc (09022015). Collection method: clinical testing. Allele origin: germline.
Comment: This sequence change replaces arginine, which is basic and polar, with histidine, which is basic and polar, at codon 350 of the CARS2 protein (p.Arg350His). This variant is present in population databases (no rsID available, gnomAD 0.009%). This variant has not been reported in the literature in individuals affected with CARS2-related conditions. ClinVar contains an entry for this variant (Variation ID: 946507). Algorithms developed to predict the effect of missense changes on protein structure and function are either unavailable or do not agree on the potential impact of this missense change (SIFT: "Deleterious"; PolyPhen-2: "Probably Damaging"; Align-GVGD: "Class C0"). In summary, the available evidence is currently insufficient to determine the role of this variant in disease. Therefore, it has been classified as a Variant of Uncertain Significance.